The following is an entry in ClinVar:

NM_001286445.3(RIPOR2):c.323G>C (p.Arg108Thr)

Gene: RIPOR2 (RHO family interacting cell polarization regulator 2; minus strand). Cytogenetic location: 6p22.3.
Variant type: single nucleotide variant.
Coding change: c.323G>C on transcript NM_001286445.3 (MANE Select); coding-DNA position 323, G replaced by C.
Protein change: p.Arg108Thr; replaces arginine 108 with threonine.
Molecular consequence: missense variant.
Genome position (GRCh38, 1-based): chr6:24,873,665, C>G on the plus strand (G>C on the coding strand, the complement: RIPOR2 is on the minus strand). VCF-style: chr6-24873665-C-G. GRCh37 (hg19) VCF-style: chr6-24873893-C-G.
Other names: c.236G>C (NM_014722.2); c.338G>C, p.Arg113Thr (NM_001286446.3); c.236G>C, p.Arg79Thr (NM_001286447.2, NM_001346031.2, NM_001346032.2 and 2 more transcripts); short protein forms R113T, R108T, R79T.
Identifiers: ClinVar variation 805271 (VCV000805271.11), dbSNP rs201842232, ClinGen allele CA3659592.
Genomic context (GRCh38, chr6:24,873,665, plus strand): 5'-GTCTTTCCTTAAAGTACATTATCAGGTTCAAGTTCTTACTCAAGTCCATTTTTCAAGGCC[C>G]TGTAGACTTCTTCCACCCTTTTAGGCTGAGGCTCTTTGGGGGGATTGTTGTTTTTGTGGC-3'
Protein context (NP_001273374.1, residues 98-118): PQPKRVEEVY[Arg108Thr]ALKNGLDEYL

ClinVar aggregate classification (germline): Uncertain significance. Review status: criteria provided, multiple submitters, no conflicts (2 of 4 stars). 5 submissions from 5 submitters: Uncertain significance (5). Last evaluated 2025-05-02.

Allele frequency attached by ClinVar (database versions not stated): TOPMed 0.00005; gnomAD exomes 0.00006 and 0.00010; ExAC 0.00007; gnomAD 0.00007 and 0.00009; ESP Exome Variant Server 0.00008.
gnomAD v4.1: 150 of 1,613,176 alleles (0.0093%); highest among the groups gnomAD compares: Non-Finnish European, 0.012%; no homozygotes.

Submissions (5):

Athena Diagnostics
Classification: Uncertain significance. Last evaluated: 2025-05-02. Review status: criteria provided, single submitter. Criteria: Athena Diagnostics Criteria. Collection method: clinical testing. Allele origin: unknown.
Comment: Available data are insufficient to determine the clinical significance of the variant at this time. The frequency of this variant in the general population is uninformative in assessment of its pathogenicity. Polyphen and MutationTaster yielded discordant predictions regarding whether this amino acid change is damaging to the protein.

Labcorp Genetics (formerly Invitae), Labcorp
Classification: Uncertain significance. Last evaluated: 2025-01-12. Review status: criteria provided, single submitter. Criteria: Invitae Variant Classification Sherloc (09022015). Collection method: clinical testing. Allele origin: germline.
Comment: This sequence change replaces arginine, which is basic and polar, with threonine, which is neutral and polar, at codon 79 of the FAM65B protein (p.Arg79Thr). This variant is present in population databases (rs201842232, gnomAD 0.01%). This variant has not been reported in the literature in individuals affected with FAM65B-related conditions. ClinVar contains an entry for this variant (Variation ID: 805271). An algorithm developed to predict the effect of missense changes on protein structure and function (PolyPhen-2) suggests that this variant is likely to be tolerated. In summary, the available evidence is currently insufficient to determine the role of this variant in disease. Therefore, it has been classified as a Variant of Uncertain Significance.

Ambry Genetics
Classification: Uncertain significance. Last evaluated: 2024-10-20. Review status: criteria provided, single submitter. Criteria: Ambry Variant Classification Scheme 2023. Collection method: clinical testing. Allele origin: germline.

GeneDx
Classification: Uncertain significance. Last evaluated: 2024-04-04. Review status: criteria provided, single submitter. Criteria: GeneDx Variant Classification Process June 2021. Collection method: clinical testing. Allele origin: germline. Affected: yes.
Comment: In silico analysis supports that this missense variant does not alter protein structure/function; Has not been previously published as pathogenic or benign to our knowledge; Variants in candidate genes are classified as variants of uncertain significance in accordance with ACMG guidelines (PMID: 25741868)

Blueprint Genetics
Classification: Uncertain significance. Last evaluated: 2023-09-11. Review status: criteria provided, single submitter. Criteria: ACMG Guidelines, 2015. Collection method: clinical testing. Allele origin: germline.